The following is an entry in ClinVar:

ClinVar aggregate classification (germline): Uncertain significance (1 of 4 stars; one submission).

Conditions:
Breast-ovarian cancer, familial, susceptibility to, 2 (BROVCA2). Also called: BRCA2 Hereditary Breast and Ovarian Cancer. Identifiers: Orphanet 145, MedGen C2675520, MONDO:0012933, OMIM 612555. Disease mechanism: loss of function.

Submission:

All of Us Research Program, National Institutes of Health
Classification: Uncertain significance for Breast-ovarian cancer, familial, susceptibility to, 2. Last evaluated: 2024-01-11. Review status: criteria provided, single submitter. Criteria: ACMG Guidelines, 2015. Collection method: clinical testing. Allele origin: germline. Inheritance: Autosomal dominant inheritance. Observed: 1 variant allele, 1 heterozygote.
Comment: This study involves interpretation of variants in research participants for the purpose of population health screening. Participant phenotype was not available at the time of variant classification. Additional details can be found in publication PMID: 35346344, PMCID: PMC8962531

NM_000059.4(BRCA2):c.4152G>C (p.Leu1384Phe)

Gene: BRCA2 (BRCA2 DNA repair associated; plus strand). Cytogenetic location: 13q13.1.
Variant type: single nucleotide variant.
Coding change: c.4152G>C on transcript NM_000059.4 (MANE Select); coding-DNA position 4152, G replaced by C.
Protein change: p.Leu1384Phe; replaces leucine 1384 with phenylalanine.
Molecular consequence: missense variant. On other transcripts: non-coding transcript variant (1), intron variant (2).
Genome position (GRCh38, 1-based): chr13:32,338,507, G>C. VCF-style: chr13-32338507-G-C. GRCh37 (hg19) VCF-style: chr13-32912644-G-C.
Other names: c.4152G>C, p.Leu1384Phe (NM_001406719.1, NM_001406720.1); c.1909+5120G>C (NM_001406721.1); c.425-6051G>C (NM_001406722.1); short protein forms L1384F.
Identifiers: ClinVar variation 3075382 (VCV003075382.1), dbSNP rs786203593, ClinGen allele CA387780001.